The following is an entry in ClinVar:

ClinVar aggregate classification (germline): Uncertain significance (1 of 4 stars; one submission).

Submission:

Labcorp Genetics (formerly Invitae), Labcorp
Classification: Uncertain significance. Last evaluated: 2023-02-04. Review status: criteria provided, single submitter. Criteria: Invitae Variant Classification Sherloc (09022015). Collection method: clinical testing. Allele origin: germline.
Comment: This sequence change falls in intron 7 of the SLC12A6 gene. It does not directly change the encoded amino acid sequence of the SLC12A6 protein. This variant is not present in population databases (gnomAD no frequency). This variant has not been reported in the literature in individuals affected with SLC12A6-related conditions. Algorithms developed to predict the effect of sequence changes on RNA splicing suggest that this variant may create or strengthen a splice site. In summary, the available evidence is currently insufficient to determine the role of this variant in disease. Therefore, it has been classified as a Variant of Uncertain Significance.

NM_001365088.1(SLC12A6):c.877-4A>G

Gene: SLC12A6 (solute carrier family 12 member 6; minus strand). Cytogenetic location: 15q14.
Variant type: single nucleotide variant.
Coding change: c.877-4A>G on transcript NM_001365088.1 (MANE Select); 4 bases into the intron before coding-DNA position 877, A replaced by G.
Molecular consequence: intron variant.
Genome position (GRCh38, 1-based): chr15:34,254,593, T>C on the plus strand (A>G on the coding strand, the complement: SLC12A6 is on the minus strand). VCF-style: chr15-34254593-T-C. GRCh37 (hg19) VCF-style: chr15-34546794-T-C.
Other names: c.700-4A>G (NM_001042495.2, NM_001042494.2); c.850-4A>G (NM_001042496.2); c.832-4A>G (NM_001042497.2); c.877-4A>G (NM_133647.2); c.724-4A>G (NM_005135.2).
Identifiers: ClinVar variation 2834438 (VCV002834438.3), dbSNP rs2509817747, ClinGen allele CA2739279072.
Genomic context (GRCh38, chr15:34,254,593, plus strand): 5'-TGATTCCTTGAGTGCGTCATCACTGTGAAAGATGGCAGCTCGGGGGACGATATAGACCTG[T>C]TAGGTAAAAATAAAGGAGAAAATTAGGTTATTTCAAAATAATTAAGTAAAAAGGCTGTAT-3'